The following is an entry in ClinVar:

NM_001148.6(ANK2):c.7679C>G (p.Pro2560Arg)

Genes: ANK2 (ankyrin 2; plus strand), LOC126807137 (CDK7 strongly-dependent group 2 enhancer GRCh37_chr4:114276560-114277759; plus strand). Cytogenetic location: 4q26.
Variant type: single nucleotide variant.
Coding change: c.7679C>G on transcript NM_001148.6 (MANE Select); coding-DNA position 7679, C replaced by G.
Protein change: p.Pro2560Arg; replaces proline 2560 with arginine.
Molecular consequence: missense variant. On other transcripts: intron variant (68).
Genome position (GRCh38, 1-based): chr4:113,356,297, C>G. VCF-style: chr4-113356297-C-G. GRCh37 (hg19) VCF-style: chr4-114277453-C-G.
Other names: c.7445C>G, p.Pro2482Arg (NM_001386142.1); c.4079C>G, p.Pro1360Arg (NM_001386166.1); c.7820C>G, p.Pro2607Arg (NM_001386174.1); c.7796C>G, p.Pro2599Arg (NM_001386175.1); c.4412-4526C>G (NM_001386186.2, NM_001386148.2); c.4214-4526C>G (NM_001354269.3); c.4292-4526C>G (NM_001386187.2); c.4253-4526C>G (NM_001386147.1); and 35 more; short protein forms P1360R, P2482R, P2560R, P2599R, P2607R.
Identifiers: ClinVar variation 1055381 (VCV001055381.5), dbSNP rs766400799, ClinGen allele CA357931442.

ClinVar aggregate classification (germline): Uncertain significance (1 of 4 stars; one submission).

Conditions:
Long QT syndrome (LQTS). Identifiers: MedGen C0023976, MeSH D008133, MONDO:0002442. Disease mechanism: loss of function. Inheritance: Various modes of inheritance.

Allele frequency attached by ClinVar (database versions not stated): gnomAD exomes below 0.00001.
gnomAD v4.1: 1 of 1,614,054 alleles (0.000062%); highest among the groups gnomAD compares: Non-Finnish European, 0.000085%; no homozygotes.

Submission:

Labcorp Genetics (formerly Invitae), Labcorp
Classification: Uncertain significance for Long QT syndrome. Last evaluated: 2020-07-29. Review status: criteria provided, single submitter. Criteria: Invitae Variant Classification Sherloc (09022015). Collection method: clinical testing. Allele origin: germline.
Comment: This variant is not present in population databases (ExAC no frequency). This sequence change replaces proline with arginine at codon 2560 of the ANK2 protein (p.Pro2560Arg). The proline residue is moderately conserved and there is a moderate physicochemical difference between proline and arginine. This variant has not been reported in the literature in individuals with ANK2-related conditions. Algorithms developed to predict the effect of missense changes on protein structure and function are either unavailable or do not agree on the potential impact of this missense change (SIFT: "Tolerated"; PolyPhen-2: "Probably Damaging"; Align-GVGD: "Class C0"). In summary, the available evidence is currently insufficient to determine the role of this variant in disease. Therefore, it has been classified as a Variant of Uncertain Significance.